The following is an entry in ClinVar:

ClinVar aggregate classification (germline): Likely pathogenic (1 of 4 stars; one submission).

Submission:

Labcorp Genetics (formerly Invitae), Labcorp
Classification: Likely pathogenic. Last evaluated: 2022-11-12. Review status: criteria provided, single submitter. Criteria: Invitae Variant Classification Sherloc (09022015). Collection method: clinical testing. Allele origin: germline.
Comment: Algorithms developed to predict the effect of sequence changes on RNA splicing suggest that this variant may disrupt the consensus splice site. In summary, the currently available evidence indicates that the variant is pathogenic, but additional data are needed to prove that conclusively. Therefore, this variant has been classified as Likely Pathogenic. This variant has not been reported in the literature in individuals affected with LOX-related conditions. This sequence change affects a donor splice site in intron 2 of the LOX gene. It is expected to disrupt RNA splicing. Variants that disrupt the donor or acceptor splice site typically lead to a loss of protein function (PMID: 16199547), and loss-of-function variants in LOX are known to be pathogenic (PMID: 12417550, 26838787, 27432961). This variant is not present in population databases (gnomAD no frequency).

Literature cited by the submitters: PubMed 16199547; PubMed 12417550; PubMed 26838787; PubMed 27432961.

NM_002317.7(LOX):c.740+2T>A

Genes: LOX (lysyl oxidase; minus strand), SRFBP1 (serum response factor binding protein 1; plus strand). Cytogenetic location: 5q23.1.
Variant type: single nucleotide variant.
Coding change: c.740+2T>A on transcript NM_002317.7 (MANE Select); the canonical splice donor site of the intron after coding-DNA position 740, T replaced by A.
Molecular consequence: splice donor variant. On other transcripts: intron variant (1).
Genome position (GRCh38, 1-based): chr5:122,076,891, A>T on the plus strand (T>A on the coding strand, the complement: LOX is on the minus strand). VCF-style: chr5-122076891-A-T. GRCh37 (hg19) VCF-style: chr5-121412586-A-T.
Other names: c.50+2T>A (NM_001178102.2); c.-152+201T>A (NM_001317073.1).
Identifiers: ClinVar variation 2070493 (VCV002070493.4), dbSNP rs2532914762, ClinGen allele CA360874749.